The following is an entry in ClinVar:

NM_001099922.3(ALG13):c.518C>T (p.Ala173Val)

Gene: ALG13 (ALG13 UDP-N-acetylglucosaminyltransferase subunit; plus strand). Cytogenetic location: Xq23.
Variant type: single nucleotide variant.
Coding change: c.518C>T on transcript NM_001099922.3 (MANE Select); coding-DNA position 518, C replaced by T.
Protein change: p.Ala173Val; replaces alanine 173 with valine.
Molecular consequence: missense variant. On other transcripts: non-coding transcript variant (1).
Genome position (GRCh38, 1-based): chrX:111,708,161, C>T. VCF-style: chrX-111708161-C-T. GRCh37 (hg19) VCF-style: chrX-110951389-C-T.
Other names: c.206C>T, p.Ala69Val (NM_001257230.2, NM_001257234.2, NM_001257237.2 and 1 more transcripts); c.284C>T, p.Ala95Val (NM_001257231.2); c.518C>T, p.Ala173Val (NM_001324292.2); short protein forms A173V, A69V, A95V.
Identifiers: ClinVar variation 1023570 (VCV001023570.8), dbSNP rs188589829, ClinGen allele CA10493547.

ClinVar aggregate classification (germline): Uncertain significance. Review status: criteria provided, multiple submitters, no conflicts (2 of 4 stars). 2 submissions from 2 submitters: Uncertain significance (2). Last evaluated 2025-03-31.

Conditions:
Developmental and epileptic encephalopathy, 36 (DEE36). Also called: ALG13-CDG; Epileptic encephalopathy, early infantile, 36; Congenital disorder of glycosylation, type Is. Identifiers: Orphanet 324422, MedGen C4317295, MONDO:0010472, OMIM 300884.

Allele frequency attached by ClinVar (database versions not stated): 1000 Genomes Project 30x 0.00021; 1000 Genomes Project 0.00026.
gnomAD v4.1: 3 of 1,210,062 alleles (0.00025%); highest among the groups gnomAD compares: African/African-American, 0.0052%; no homozygotes.

Submissions (2):

Labcorp Genetics (formerly Invitae), Labcorp
Classification: Uncertain significance for Developmental and epileptic encephalopathy, 36. Last evaluated: 2025-03-31. Review status: criteria provided, single submitter. Criteria: Invitae Variant Classification Sherloc (09022015). Collection method: clinical testing. Allele origin: germline.
Comment: This sequence change replaces alanine, which is neutral and non-polar, with valine, which is neutral and non-polar, at codon 173 of the ALG13 protein (p.Ala173Val). This variant is present in population databases (rs188589829, gnomAD 0.008%). This variant has not been reported in the literature in individuals affected with ALG13-related conditions. ClinVar contains an entry for this variant (Variation ID: 1023570). Invitae Evidence Modeling of protein sequence and biophysical properties (such as structural, functional, and spatial information, amino acid conservation, physicochemical variation, residue mobility, and thermodynamic stability) indicates that this missense variant is not expected to disrupt ALG13 protein function with a negative predictive value of 95%. In summary, the available evidence is currently insufficient to determine the role of this variant in disease. Therefore, it has been classified as a Variant of Uncertain Significance.

GeneDx
Classification: Uncertain significance. Last evaluated: 2022-03-18. Review status: criteria provided, single submitter. Criteria: GeneDx Variant Classification Process June 2021. Collection method: clinical testing. Allele origin: germline. Affected: yes.
Comment: In silico analysis supports that this missense variant does not alter protein structure/function; Has not been previously published as pathogenic or benign to our knowledge